The following is an entry in ClinVar:

ClinVar aggregate classification (germline): Uncertain significance (1 of 4 stars; one submission).

Submission:

Labcorp Genetics (formerly Invitae), Labcorp
Classification: Uncertain significance. Last evaluated: 2025-12-01. Review status: criteria provided, single submitter. Criteria: Invitae Variant Classification Sherloc (09022015). Collection method: clinical testing. Allele origin: germline.
Comment: This sequence change replaces asparagine, which is neutral and polar, with lysine, which is basic and polar, at codon 320 of the GPR45 protein (p.Asn320Lys). This variant is present in population databases (rs746818166, gnomAD 0.0009%). This variant has not been reported in the literature in individuals affected with GPR45-related conditions. ClinVar contains an entry for this variant (Variation ID: 2902133). An algorithm developed to predict the effect of missense changes on protein structure and function (PolyPhen-2) suggests that this variant is likely to be disruptive. In summary, the available evidence is currently insufficient to determine the role of this variant in disease. Therefore, it has been classified as a Variant of Uncertain Significance.

NM_007227.3(GPR45):c.960C>A (p.Asn320Lys)

Gene: GPR45 (G protein-coupled receptor 45; plus strand). Cytogenetic location: 2q12.1.
Variant type: single nucleotide variant.
Coding change: c.960C>A on transcript NM_007227.3 (MANE Select); coding-DNA position 960, C replaced by A.
Protein change: p.Asn320Lys; replaces asparagine 320 with lysine.
Molecular consequence: missense variant.
Genome position (GRCh38, 1-based): chr2:105,242,818, C>A. VCF-style: chr2-105242818-C-A. GRCh37 (hg19) VCF-style: chr2-105859275-C-A.
Other names: short protein forms N320K.
Identifiers: ClinVar variation 2902133 (VCV002902133.3), dbSNP rs746818166, ClinGen allele CA1813675.